The following is an entry in ClinVar:

ClinVar aggregate classification (germline): Conflicting classifications of pathogenicity. Review status: criteria provided, conflicting classifications (1 of 4 stars). 4 submissions from 4 submitters: Uncertain significance (2); Likely benign (1). 1 of the submissions does not count toward it. Last evaluated 2022-10-24.

Conditions:
OTOG-related disorder. Also called: OTOG-related condition.

Allele frequency attached by ClinVar (database versions not stated): ExAC 0.00007; 1000 Genomes Project 30x 0.00016; TOPMed 0.00016; 1000 Genomes Project 0.00020.
gnomAD v4.1: 97 of 1,550,580 alleles (0.0063%); highest among the groups gnomAD compares: Admixed American, 0.12%; no homozygotes.

Submissions (4):

Labcorp Genetics (formerly Invitae), Labcorp
Classification: Uncertain significance. Last evaluated: 2022-10-24. Review status: criteria provided, single submitter. Criteria: Invitae Variant Classification Sherloc (09022015). Collection method: clinical testing. Allele origin: germline.
Comment: In summary, the available evidence is currently insufficient to determine the role of this variant in disease. Therefore, it has been classified as a Variant of Uncertain Significance. Algorithms developed to predict the effect of missense changes on protein structure and function output the following: SIFT: "Tolerated"; PolyPhen-2: "Benign"; Align-GVGD: "Class C0". The methionine amino acid residue is found in multiple mammalian species, which suggests that this missense change does not adversely affect protein function. ClinVar contains an entry for this variant (Variation ID: 227790). This variant has not been reported in the literature in individuals affected with OTOG-related conditions. This variant is present in population databases (rs572886375, gnomAD 0.2%). This sequence change replaces valine, which is neutral and non-polar, with methionine, which is neutral and non-polar, at codon 2235 of the OTOG protein (p.Val2235Met).

Eurofins Ntd Llc (ga)
Classification: Uncertain significance. Last evaluated: 2016-12-08. Review status: criteria provided, single submitter. Criteria: EGL Classification Definitions 2015. Collection method: clinical testing. Allele origin: germline. Observed: 1 variant allele, 1 heterozygote.

Laboratory for Molecular Medicine, Mass General Brigham Personalized Medicine
Classification: Likely benign. Last evaluated: 2016-02-02. Review status: criteria provided, single submitter. Criteria: LMM Criteria. Collection method: clinical testing. Allele origin: germline. Observed: 1 variant allele.
Comment: p.Val2235Met in exon 39 of OTOG: This variant is not expected to have clinical s ignificance due to a lack of conservation across species, including mammals. Of note, 5 mammals (orangutan, rhesus, crab-eating macaque, baboon and green monkey ) have a methionine (Met) at this position despite high nearby amino acid conser vation. In addition, computational prediction tools do not suggest a high likeli hood of impact to the protein.

PreventionGenetics, part of Exact Sciences
Classification: Likely benign for OTOG-related condition. Last evaluated: 2024-07-17. Review status: no assertion criteria provided. Collection method: clinical testing. Allele origin: germline. Not counted in ClinVar's aggregate classification.
Comment: This variant is classified as likely benign based on ACMG/AMP sequence variant interpretation guidelines (Richards et al. 2015 PMID: 25741868, with internal and published modifications).

NM_001292063.2(OTOG):c.6667G>A (p.Val2223Met)

Gene: OTOG (otogelin; plus strand). Cytogenetic location: 11p15.1.
Variant type: single nucleotide variant.
Coding change: c.6667G>A on transcript NM_001292063.2 (MANE Select); coding-DNA position 6667, G replaced by A.
Protein change: p.Val2223Met; replaces valine 2223 with methionine.
Molecular consequence: missense variant.
Genome position (GRCh38, 1-based): chr11:17,629,271, G>A. VCF-style: chr11-17629271-G-A. GRCh37 (hg19) VCF-style: chr11-17650818-G-A.
Other names: c.6703G>A, p.Val2235Met (NM_001277269.2); short protein forms V2235M, V2223M.
Identifiers: ClinVar variation 227790 (VCV000227790.12), dbSNP rs572886375, ClinGen allele CA5906051.